The following is an entry in ClinVar:

NM_017654.4(SAMD9):c.1052A>T (p.Asp351Val)

Gene: SAMD9 (sterile alpha motif domain containing 9; minus strand). Cytogenetic location: 7q21.2.
Variant type: single nucleotide variant.
Coding change: c.1052A>T on transcript NM_017654.4 (MANE Select); coding-DNA position 1052, A replaced by T.
Protein change: p.Asp351Val; replaces aspartic acid 351 with valine.
Molecular consequence: missense variant.
Genome position (GRCh38, 1-based): chr7:93,105,046, T>A on the plus strand (A>T on the coding strand, the complement: SAMD9 is on the minus strand). VCF-style: chr7-93105046-T-A. GRCh37 (hg19) VCF-style: chr7-92734359-T-A.
Other names: c.1052A>T, p.Asp351Val (NM_001193307.2); short protein forms D351V.
Identifiers: ClinVar variation 1002048 (VCV001002048.7), dbSNP rs757652918, ClinGen allele CA4343032.

ClinVar aggregate classification (germline): Conflicting classifications of pathogenicity. Review status: criteria provided, conflicting classifications (1 of 4 stars). 2 submissions from 2 submitters: Uncertain significance (1); Likely benign (1). Last evaluated 2026-01-24.

Allele frequency attached by ClinVar (database versions not stated): gnomAD 0.00001 and 0.00002; gnomAD exomes 0.00002 and 0.00005; TOPMed 0.00003; ExAC 0.00008.
gnomAD v4.1: 33 of 1,614,010 alleles (0.002%); highest among the groups gnomAD compares: East Asian, 0.042%; no homozygotes.

Submissions (2):

Labcorp Genetics (formerly Invitae), Labcorp
Classification: Likely benign. Last evaluated: 2026-01-24. Review status: criteria provided, single submitter. Criteria: Invitae Variant Classification Sherloc (09022015). Collection method: clinical testing. Allele origin: germline.

GeneDx
Classification: Uncertain significance. Last evaluated: 2022-05-19. Review status: criteria provided, single submitter. Criteria: GeneDx Variant Classification Process June 2021. Collection method: clinical testing. Allele origin: germline. Affected: yes.
Comment: In silico analysis supports that this missense variant has a deleterious effect on protein structure/function; Has not been previously published as pathogenic or benign to our knowledge; This variant is associated with the following publications: (PMID: 28545555)